The following is an entry in ClinVar:

ClinVar aggregate classification (germline): Uncertain significance (1 of 4 stars; one submission).

Conditions:
Primary ciliary dyskinesia. Also called: Ciliary dyskinesia. Identifiers: Orphanet 244, MedGen C0008780, MONDO:0016575, HP:0012265.

Allele frequency attached by ClinVar (database versions not stated): TOPMed 0.00014; ESP Exome Variant Server 0.00015; gnomAD 0.00025.
gnomAD v4.1: 211 of 1,609,354 alleles (0.013%); highest among the groups gnomAD compares: Admixed American, 0.017%; no homozygotes.

Submission:

Labcorp Genetics (formerly Invitae), Labcorp
Classification: Uncertain significance for Primary ciliary dyskinesia. Last evaluated: 2022-03-29. Review status: criteria provided, single submitter. Criteria: Invitae Variant Classification Sherloc (09022015). Collection method: clinical testing. Allele origin: germline.
Comment: This sequence change replaces arginine, which is basic and polar, with histidine, which is basic and polar, at codon 1537 of the DNAH8 protein (p.Arg1537His). This variant is present in population databases (rs375507271, gnomAD 0.03%). This variant has not been reported in the literature in individuals affected with DNAH8-related conditions. ClinVar contains an entry for this variant (Variation ID: 407292). Algorithms developed to predict the effect of missense changes on protein structure and function output the following: SIFT: "Deleterious"; PolyPhen-2: "Not Available"; Align-GVGD: "Class C0". The histidine amino acid residue is found in multiple mammalian species, which suggests that this missense change does not adversely affect protein function. In summary, the available evidence is currently insufficient to determine the role of this variant in disease. Therefore, it has been classified as a Variant of Uncertain Significance.

NM_001206927.2(DNAH8):c.4610G>A (p.Arg1537His)

Gene: DNAH8 (dynein axonemal heavy chain 8; plus strand). Cytogenetic location: 6p21.2.
Variant type: single nucleotide variant.
Coding change: c.4610G>A on transcript NM_001206927.2 (MANE Select); coding-DNA position 4610, G replaced by A.
Protein change: p.Arg1537His; replaces arginine 1537 with histidine.
Molecular consequence: missense variant.
Genome position (GRCh38, 1-based): chr6:38,842,668, G>A. VCF-style: chr6-38842668-G-A. GRCh37 (hg19) VCF-style: chr6-38810444-G-A.
Other names: c.3959G>A, p.Arg1320His (NM_001371.4); short protein forms R1537H, R1320H.
Identifiers: ClinVar variation 407292 (VCV000407292.7), dbSNP rs375507271, ClinGen allele CA3789180.